The following is an entry in ClinVar:

NM_001330078.2(NRXN1):c.3384T>C (p.Phe1128=)

Gene: NRXN1 (neurexin 1; minus strand). Cytogenetic location: 2p16.3.
Variant type: single nucleotide variant.
Coding change: c.3384T>C on transcript NM_001330078.2 (MANE Select); coding-DNA position 3384, T replaced by C.
Protein change: p.Phe1128=; no amino-acid change (phenylalanine 1128 retained).
Molecular consequence: synonymous variant.
Genome position (GRCh38, 1-based): chr2:50,236,951, A>G on the plus strand (T>C on the coding strand, the complement: NRXN1 is on the minus strand). VCF-style: chr2-50236951-A-G. GRCh37 (hg19) VCF-style: chr2-50464089-A-G.
Other names: c.3504T>C, p.Phe1168= (NM_001135659.3); c.3360T>C, p.Phe1120= (NM_001330077.2, NM_001330082.2); c.3318T>C, p.Phe1106= (NM_001330083.2, NM_001330084.2); c.3357T>C, p.Phe1119= (NM_001330085.2); c.3384T>C, p.Phe1128= (NM_001330086.2, NM_004801.6); c.3273T>C, p.Phe1091= (NM_001330087.2, NM_001330096.2); c.3303T>C, p.Phe1101= (NM_001330088.2); c.279T>C, p.Phe93= (NM_001330091.2, NM_001330092.2, NM_001330097.2 and 1 more transcripts); and 3 more.
Identifiers: ClinVar variation 336545 (VCV000336545.49), dbSNP rs751894635, ClinGen allele CA1654466.

ClinVar aggregate classification (germline): Conflicting classifications of pathogenicity. Review status: criteria provided, conflicting classifications (1 of 4 stars). 5 submissions from 5 submitters: Uncertain significance (1); Likely benign (4). Last evaluated 2025-07-23.

Conditions:
Pitt-Hopkins-like syndrome 2 (PTHSL2). Identifiers: Orphanet 221150, Orphanet 600663, MedGen C3280479, MONDO:0013690, OMIM 614325.

Allele frequency attached by ClinVar (database versions not stated): gnomAD 0.00003 and 0.00004; TOPMed 0.00004; gnomAD exomes 0.00005; ExAC 0.00008.
gnomAD v4.1: 80 of 1,613,162 alleles (0.005%); highest among the groups gnomAD compares: Non-Finnish European, 0.0062%; no homozygotes.

Submissions (5):

Labcorp Genetics (formerly Invitae), Labcorp
Classification: Likely benign for Pitt-Hopkins-like syndrome 2. Last evaluated: 2025-07-23. Review status: criteria provided, single submitter. Criteria: Invitae Variant Classification Sherloc (09022015). Collection method: clinical testing. Allele origin: germline.

Blueprint Genetics
Classification: Likely benign. Last evaluated: 2024-08-08. Review status: criteria provided, single submitter. Criteria: ACMG Guidelines, 2015. Collection method: clinical testing. Allele origin: germline.

CeGaT Center for Human Genetics Tuebingen
Classification: Likely benign. Last evaluated: 2023-06-01. Review status: criteria provided, single submitter. Criteria: CeGaT Center For Human Genetics Tuebingen Variant Classification Criteria Version 2. Collection method: clinical testing. Allele origin: germline. Affected: yes. Observed: 4 variant alleles.
Comment: NRXN1: BP4, BP7

GeneDx
Classification: Likely benign. Last evaluated: 2018-05-04. Review status: criteria provided, single submitter. Criteria: GeneDx Variant Classification Process June 2021. Collection method: clinical testing. Allele origin: germline. Affected: yes.

Illumina Laboratory Services, Illumina
Classification: Uncertain significance for Pitt-Hopkins-like syndrome 2. Last evaluated: 2018-01-13. Review status: criteria provided, single submitter. Criteria: ICSL Variant Classification Criteria 13 December 2019. Collection method: clinical testing. Allele origin: germline.